The following is an entry in ClinVar:

ClinVar aggregate classification (germline): Pathogenic/Likely pathogenic. Review status: criteria provided, multiple submitters, no conflicts (2 of 4 stars). 6 submissions from 6 submitters: Pathogenic (2); Likely pathogenic (1). 3 of the submissions do not count toward it. Last evaluated 2025-07-16.

Conditions:
RHO-related disorder. Also called: RHO-related condition.
Retinitis pigmentosa 4 (RP4). Also called: RETINITIS PIGMENTOSA, RHODOPSIN-RELATED. Identifiers: Orphanet 791, MedGen C3151001, MONDO:0013395, OMIM 613731.
Retinal dystrophy. Also called: Inherited retinal dystrophy. Identifiers: Orphanet 71862, MedGen C0854723, MeSH D058499, MONDO:0019118, HP:0000556.

Submissions (6):

Labcorp Genetics (formerly Invitae), Labcorp
Classification: Pathogenic. Last evaluated: 2025-07-16. Review status: criteria provided, single submitter. Criteria: Invitae Variant Classification Sherloc (09022015). Collection method: clinical testing. Allele origin: germline.
Comment: This sequence change replaces aspartic acid, which is acidic and polar, with glycine, which is neutral and non-polar, at codon 190 of the RHO protein (p.Asp190Gly). This variant is not present in population databases (gnomAD no frequency). This missense change has been observed in individual(s) with autosomal dominant retinitis pigmentosa (PMID: 1862076). It has also been observed to segregate with disease in related individuals. ClinVar contains an entry for this variant (Variation ID: 13026). Invitae Evidence Modeling of protein sequence and biophysical properties (such as structural, functional, and spatial information, amino acid conservation, physicochemical variation, residue mobility, and thermodynamic stability) indicates that this missense variant is expected to disrupt RHO protein function with a positive predictive value of 95%. Experimental studies have shown that this missense change affects RHO function (PMID: 24520188). This variant disrupts the p.Asp190 amino acid residue in RHO. Other variant(s) that disrupt this residue have been determined to be pathogenic (PMID: 1765377, 19085385, 24520188). This suggests that this residue is clinically significant, and that variants that disrupt this residue are likely to be disease-causing. For these reasons, this variant has been classified as Pathogenic.

Blueprint Genetics
Classification: Pathogenic for RHO-related disorders. Last evaluated: 2024-04-18. Review status: criteria provided, single submitter. Criteria: ACMG Guidelines, 2015. Collection method: clinical testing. Allele origin: germline. Affected: yes. Observed: 4 variant alleles.

Dept Of Ophthalmology, Nagoya University
Classification: Likely pathogenic for Retinal dystrophy. Last evaluated: 2023-10-01. Review status: criteria provided, single submitter. Criteria: Submitter's publication. Collection method: research. Allele origin: germline. Affected: yes.

OMIM
Classification: Pathogenic for RETINITIS PIGMENTOSA 4. Last evaluated: 1991-08-01. Review status: no assertion criteria provided. Collection method: literature only. Allele origin: germline. Not counted in ClinVar's aggregate classification.

Clinical Genetics DNA and cytogenetics Diagnostics Lab, Erasmus MC, Erasmus Medical Center
Classification: Pathogenic. Review status: no assertion criteria provided. Collection method: clinical testing. Allele origin: germline. Affected: yes. Study: VKGL Data-share Consensus. Not counted in ClinVar's aggregate classification.

Joint Genome Diagnostic Labs from Nijmegen and Maastricht, Radboudumc and MUMC+
Classification: Likely pathogenic. Review status: no assertion criteria provided. Collection method: clinical testing. Allele origin: germline. Affected: yes. Study: VKGL Data-share Consensus. Not counted in ClinVar's aggregate classification.

Literature cited by the submitters: PubMed 1862076 (cited by Labcorp Genetics (formerly Invitae), Labcorp and OMIM); PubMed 24520188 (cited by Labcorp Genetics (formerly Invitae), Labcorp); PubMed 1765377 (cited by Labcorp Genetics (formerly Invitae), Labcorp); PubMed 19085385 (cited by Labcorp Genetics (formerly Invitae), Labcorp).

NM_000539.3(RHO):c.569A>G (p.Asp190Gly)

Gene: RHO (rhodopsin; plus strand). Cytogenetic location: 3q22.1.
Variant type: single nucleotide variant.
Coding change: c.569A>G on transcript NM_000539.3 (MANE Select); coding-DNA position 569, A replaced by G.
Protein change: p.Asp190Gly; replaces aspartic acid 190 with glycine.
Molecular consequence: missense variant.
Genome position (GRCh38, 1-based): chr3:129,532,289, A>G. VCF-style: chr3-129532289-A-G. GRCh37 (hg19) VCF-style: chr3-129251132-A-G.
Other names: short protein forms D190G.
Identifiers: ClinVar variation 13026 (VCV000013026.14), dbSNP rs104893777, ClinGen allele CA256673.